The following is an entry in ClinVar:

NM_000179.3(MSH6):c.2737G>T (p.Asp913Tyr)

Gene: MSH6 (mutS homolog 6; plus strand). Cytogenetic location: 2p16.3.
Variant type: single nucleotide variant.
Coding change: c.2737G>T on transcript NM_000179.3 (MANE Select); coding-DNA position 2737, G replaced by T.
Protein change: p.Asp913Tyr; replaces aspartic acid 913 with tyrosine.
Molecular consequence: missense variant. On other transcripts: non-coding transcript variant (5), intron variant (2).
Genome position (GRCh38, 1-based): chr2:47,800,720, G>T. VCF-style: chr2-47800720-G-T. GRCh37 (hg19) VCF-style: chr2-48027859-G-T.
Other names: c.2347G>T, p.Asp783Tyr (NM_001281492.2); c.1831G>T, p.Asp611Tyr (NM_001281493.2, NM_001281494.2, NM_001406811.1 and 6 more transcripts); c.2833G>T, p.Asp945Tyr (NM_001406795.1, NM_001406802.1); c.2737G>T, p.Asp913Tyr (NM_001406796.1, NM_001406798.1, NM_001406800.1 and 2 more transcripts); c.2440G>T, p.Asp814Tyr (NM_001406797.1, NM_001406801.1, NM_001406805.1 and 10 more transcripts); c.2212G>T, p.Asp738Tyr (NM_001406799.1, NM_001406806.1, NM_001406807.1); c.2659G>T, p.Asp887Tyr (NM_001406804.1); c.2569G>T, p.Asp857Tyr (NM_001406826.1); and 4 more; short protein forms D738Y, D913Y, D611Y, D783Y, D814Y, D915Y, D228Y, D945Y.
Identifiers: ClinVar variation 3296427 (VCV003296427.1).

ClinVar aggregate classification (germline): Uncertain significance (1 of 4 stars; one submission).

Conditions:
Hereditary cancer-predisposing syndrome. Also called: Tumor predisposition; Hereditary Cancer Syndrome; Hereditary neoplastic syndrome; Neoplastic Syndromes, Hereditary. Identifiers: Orphanet 140162, MedGen C0027672, MeSH D009386, MONDO:0015356.

Submission:

Ambry Genetics
Classification: Uncertain significance for Hereditary cancer-predisposing syndrome. Last evaluated: 2024-06-21. Review status: criteria provided, single submitter. Criteria: Ambry Variant Classification Scheme 2023. Collection method: clinical testing. Allele origin: germline.
Comment: The p.D913Y variant (also known as c.2737G>T), located in coding exon 4 of the MSH6 gene, results from a G to T substitution at nucleotide position 2737. The aspartic acid at codon 913 is replaced by tyrosine, an amino acid with highly dissimilar properties. This amino acid position is conserved. In addition, this alteration is predicted to be deleterious by in silico analysis. Based on the available evidence, the clinical significance of this variant remains unclear.